The following is an entry in ClinVar:

ClinVar aggregate classification (germline): Pathogenic (1 of 4 stars; one submission).

Submission:

Labcorp Genetics (formerly Invitae), Labcorp
Classification: Pathogenic. Last evaluated: 2024-11-15. Review status: criteria provided, single submitter. Criteria: Invitae Variant Classification Sherloc (09022015). Collection method: clinical testing. Allele origin: germline.
Comment: This sequence change creates a premature translational stop signal (p.Gln1088*) in the TCF20 gene. It is expected to result in an absent or disrupted protein product. Loss-of-function variants in TCF20 are known to be pathogenic (PMID: 30739909, 30819258). This variant is not present in population databases (gnomAD no frequency). This variant has not been reported in the literature in individuals affected with TCF20-related conditions. For these reasons, this variant has been classified as Pathogenic.

Literature cited by the submitters: PubMed 30739909; PubMed 30819258.

NM_001378418.1(TCF20):c.3262C>T (p.Gln1088Ter)

Gene: TCF20 (transcription factor 20; minus strand). Cytogenetic location: 22q13.2.
Variant type: single nucleotide variant.
Coding change: c.3262C>T on transcript NM_001378418.1 (MANE Select); coding-DNA position 3262, C replaced by T.
Protein change: p.Gln1088Ter; replaces glutamine 1088 with a stop codon.
Molecular consequence: nonsense.
Genome position (GRCh38, 1-based): chr22:42,212,044, G>A on the plus strand (C>T on the coding strand, the complement: TCF20 is on the minus strand). VCF-style: chr22-42212044-G-A. GRCh37 (hg19) VCF-style: chr22-42608050-G-A.
Other names: c.3262C>T, p.Gln1088Ter (NM_005650.4, NM_181492.3); short protein forms Q1088*.
Identifiers: ClinVar variation 3725290 (VCV003725290.2).